The following is an entry in ClinVar:

NM_001303256.3(MORC2):c.1605-3C>T

Gene: MORC2 (MORC family CW-type zinc finger 2; minus strand). Cytogenetic location: 22q12.2.
Variant type: single nucleotide variant.
Coding change: c.1605-3C>T on transcript NM_001303256.3 (MANE Select); 3 bases into the intron before coding-DNA position 1605, C replaced by T.
Molecular consequence: intron variant.
Genome position (GRCh38, 1-based): chr22:30,936,646, G>A on the plus strand (C>T on the coding strand, the complement: MORC2 is on the minus strand). VCF-style: chr22-30936646-G-A. GRCh37 (hg19) VCF-style: chr22-31332633-G-A.
Other names: c.1605-3C>T (NM_001303257.2); c.1419-3C>T (NM_014941.3).
Identifiers: ClinVar variation 576187 (VCV000576187.10), dbSNP rs111618347, ClinGen allele CA323272247.

ClinVar aggregate classification (germline): Uncertain significance. Review status: criteria provided, multiple submitters, no conflicts (2 of 4 stars). 2 submissions from 2 submitters: Uncertain significance (2). Last evaluated 2024-05-08.

Conditions:
Charcot-Marie-Tooth disease axonal type 2Z. Also called: CHARCOT-MARIE-TOOTH DISEASE, AXONAL, AUTOSOMAL DOMINANT, TYPE 2Z; CHARCOT-MARIE-TOOTH NEUROPATHY, TYPE 2Z. Identifiers: Orphanet 466768, MedGen C5569025, MONDO:0014736, OMIM 616688.

Allele frequency attached by ClinVar (database versions not stated): gnomAD exomes 0.00001 and 0.00002; gnomAD 0.00003; TOPMed 0.00003.
gnomAD v4.1: 29 of 1,613,658 alleles (0.0018%); highest among the groups gnomAD compares: African/African-American, 0.0067%; no homozygotes.

Submissions (2):

Labcorp Genetics (formerly Invitae), Labcorp
Classification: Uncertain significance for Charcot-Marie-Tooth disease axonal type 2Z. Last evaluated: 2024-05-08. Review status: criteria provided, single submitter. Criteria: Invitae Variant Classification Sherloc (09022015). Collection method: clinical testing. Allele origin: germline.
Comment: This sequence change falls in intron 16 of the MORC2 gene. It does not directly change the encoded amino acid sequence of the MORC2 protein. It affects a nucleotide within the consensus splice site. This variant is present in population databases (rs111618347, gnomAD 0.007%). This variant has not been reported in the literature in individuals affected with MORC2-related conditions. ClinVar contains an entry for this variant (Variation ID: 576187). Variants that disrupt the consensus splice site are a relatively common cause of aberrant splicing (PMID: 17576681, 9536098). Algorithms developed to predict the effect of sequence changes on RNA splicing suggest that this variant is not likely to affect RNA splicing. In summary, the available evidence is currently insufficient to determine the role of this variant in disease. Therefore, it has been classified as a Variant of Uncertain Significance.

Blueprint Genetics
Classification: Uncertain significance. Last evaluated: 2020-03-17. Review status: criteria provided, single submitter. Criteria: ACMG Guidelines, 2015. Collection method: clinical testing. Allele origin: germline.

Literature cited by the submitters: PubMed 17576681 (cited by Labcorp Genetics (formerly Invitae), Labcorp); PubMed 9536098 (cited by Labcorp Genetics (formerly Invitae), Labcorp).